The following is an entry in ClinVar:

NM_001366385.1(CARD14):c.2973C>A (p.Asp991Glu)

Genes: CARD14 (caspase recruitment domain family member 14; plus strand), SGSH (N-sulfoglucosamine sulfohydrolase; minus strand). Cytogenetic location: 17q25.3.
Variant type: single nucleotide variant.
Coding change: c.2973C>A on transcript NM_001366385.1 (MANE Select); coding-DNA position 2973, C replaced by A.
Protein change: p.Asp991Glu; replaces aspartic acid 991 with glutamic acid.
Molecular consequence: missense variant. On other transcripts: non-coding transcript variant (1).
Genome position (GRCh38, 1-based): chr17:80,208,303, C>A. VCF-style: chr17-80208303-C-A. GRCh37 (hg19) VCF-style: chr17-78182102-C-A.
Other names: c.2973C>A, p.Asp991Glu (NM_024110.4); short protein forms D991E.
Identifiers: ClinVar variation 2114885 (VCV002114885.4), dbSNP rs554956821, ClinGen allele CA8817523.
Genomic context (GRCh38, chr17:80,208,303, plus strand): 5'-TCCTGACGGCTGGAGCGACCTGGACGGCCTGCTCAGCTGTGTCCGCCAGGCCATCGCCGA[C>A]GAGCAGAAGAAGGTGGTGTGGACGGAGCAGAGCCCCCGATGATGCACCGTGCCCCTTCCC-3'
Protein context (NP_001353314.1, residues 981-1001): LLSCVRQAIA[Asp991Glu]EQKKVVWTEQ

ClinVar aggregate classification (germline): Uncertain significance (1 of 4 stars; one submission).

Conditions:
Psoriasis 2. Identifiers: MedGen C1864497, MONDO:0011269, OMIM 602723.
Pityriasis rubra pilaris (PRP). Also called: Pityriasis rubra pilaris--familial type. Identifiers: Orphanet 2897, MedGen C0032027, MONDO:0100017, OMIM 173200, MONDO:0008251.

gnomAD v4.1: 1 of 1,605,490 alleles (0.000062%); highest among the groups gnomAD compares: Non-Finnish European, 0.000085%; no homozygotes.

Submission:

Labcorp Genetics (formerly Invitae), Labcorp
Classification: Uncertain significance for Pityriasis rubra pilaris; Psoriasis 2. Last evaluated: 2022-03-20. Review status: criteria provided, single submitter. Criteria: Invitae Variant Classification Sherloc (09022015). Collection method: clinical testing. Allele origin: germline.
Comment: In summary, the available evidence is currently insufficient to determine the role of this variant in disease. Therefore, it has been classified as a Variant of Uncertain Significance. Algorithms developed to predict the effect of missense changes on protein structure and function are either unavailable or do not agree on the potential impact of this missense change (SIFT: "Tolerated"; PolyPhen-2: "Possibly Damaging"; Align-GVGD: "Class C0"). This variant has not been reported in the literature in individuals affected with CARD14-related conditions. The frequency data for this variant in the population databases is considered unreliable, as metrics indicate poor data quality at this position in the gnomAD database. This sequence change replaces aspartic acid, which is acidic and polar, with glutamic acid, which is acidic and polar, at codon 991 of the CARD14 protein (p.Asp991Glu).